The following is an entry in ClinVar:

NM_004092.4(ECHS1):c.421G>T (p.Gly141Trp)

Gene: ECHS1 (enoyl-CoA hydratase, short chain 1; minus strand). Cytogenetic location: 10q26.3.
Variant type: single nucleotide variant.
Coding change: c.421G>T on transcript NM_004092.4 (MANE Select); coding-DNA position 421, G replaced by T.
Protein change: p.Gly141Trp; replaces glycine 141 with tryptophan.
Molecular consequence: missense variant.
Genome position (GRCh38, 1-based): chr10:133,369,016, C>A on the plus strand (G>T on the coding strand, the complement: ECHS1 is on the minus strand). VCF-style: chr10-133369016-C-A. GRCh37 (hg19) VCF-style: chr10-135182520-C-A.
Other names: short protein forms G141W.
Identifiers: ClinVar variation 1383210 (VCV001383210.6), dbSNP rs763902393, ClinGen allele CA378820942.
Genomic context (GRCh38, chr10:133,369,016, plus strand): 5'-CAAACTGGGCCTTCTCACCGGCATAGATGATATCACACATCATGGCAAGCTCACAGCCCC[C>A]GCCAAACTGTAAAACATTCGGCATCAGGAGAGTCTTACCAGGGGAACCCAGTCAGAAATC-3'
Protein context (NP_004083.3, residues 131-151): IAAVNGYAFG[Gly141Trp]GCELAMMCDI

ClinVar aggregate classification (germline): Uncertain significance (1 of 4 stars; one submission).

Allele frequency attached by ClinVar (database versions not stated): TOPMed below 0.00001.

Submission:

Labcorp Genetics (formerly Invitae), Labcorp
Classification: Uncertain significance. Last evaluated: 2022-09-01. Review status: criteria provided, single submitter. Criteria: Invitae Variant Classification Sherloc (09022015). Collection method: clinical testing. Allele origin: germline.
Comment: This sequence change replaces glycine, which is neutral and non-polar, with tryptophan, which is neutral and slightly polar, at codon 141 of the ECHS1 protein (p.Gly141Trp). This variant is not present in population databases (gnomAD no frequency). This variant has not been reported in the literature in individuals affected with ECHS1-related conditions. ClinVar contains an entry for this variant (Variation ID: 1383210). Advanced modeling of protein sequence and biophysical properties (such as structural, functional, and spatial information, amino acid conservation, physicochemical variation, residue mobility, and thermodynamic stability) performed at Invitae indicates that this missense variant is expected to disrupt ECHS1 protein function. In summary, the available evidence is currently insufficient to determine the role of this variant in disease. Therefore, it has been classified as a Variant of Uncertain Significance.